The following is an entry in ClinVar:

ClinVar aggregate classification (germline): Uncertain significance (1 of 4 stars; one submission).

Conditions:
Norman-Roberts syndrome (LIS2). Also called: Lissencephaly 2 (Norman-Roberts type). Identifiers: Orphanet 89844, MedGen C0796089, MONDO:0009760, OMIM 257320.
Familial temporal lobe epilepsy 7. Identifiers: Orphanet 101046, MedGen C4225327, MONDO:0014639, OMIM 616436.

Allele frequency attached by ClinVar (database versions not stated): ExAC 0.00001.
gnomAD v4.1: 3 of 1,613,838 alleles (0.00019%); highest among the groups gnomAD compares: South Asian, 0.0011%; no homozygotes.

Submission:

Labcorp Genetics (formerly Invitae), Labcorp
Classification: Uncertain significance for Familial temporal lobe epilepsy 7; Norman-Roberts syndrome. Last evaluated: 2022-08-24. Review status: criteria provided, single submitter. Criteria: Invitae Variant Classification Sherloc (09022015). Collection method: clinical testing. Allele origin: germline.
Comment: Algorithms developed to predict the effect of missense changes on protein structure and function are either unavailable or do not agree on the potential impact of this missense change (SIFT: "Deleterious"; PolyPhen-2: "Possibly Damaging"; Align-GVGD: "Class C0"). This sequence change replaces lysine, which is basic and polar, with glutamine, which is neutral and polar, at codon 3320 of the RELN protein (p.Lys3320Gln). This variant is present in population databases (rs754610549, gnomAD 0.003%). This variant has not been reported in the literature in individuals affected with RELN-related conditions. In summary, the available evidence is currently insufficient to determine the role of this variant in disease. Therefore, it has been classified as a Variant of Uncertain Significance.

NM_005045.4(RELN):c.9958A>C (p.Lys3320Gln)

Genes: RELN (reelin; minus strand), SLC26A5-AS1 (SLC26A5 antisense RNA 1; plus strand). Cytogenetic location: 7q22.1.
Variant type: single nucleotide variant.
Coding change: c.9958A>C on transcript NM_005045.4 (MANE Select); coding-DNA position 9958, A replaced by C.
Protein change: p.Lys3320Gln; replaces lysine 3320 with glutamine.
Molecular consequence: missense variant.
Genome position (GRCh38, 1-based): chr7:103,486,222, T>G on the plus strand (A>C on the coding strand, the complement: RELN is on the minus strand). VCF-style: chr7-103486222-T-G. GRCh37 (hg19) VCF-style: chr7-103126669-T-G.
Other names: c.9958A>C, p.Lys3320Gln (NM_173054.3); short protein forms K3320Q.
Identifiers: ClinVar variation 1717915 (VCV001717915.5), dbSNP rs754610549, ClinGen allele CA4420092.